The following is an entry in ClinVar:

ClinVar aggregate classification (germline): Uncertain significance (1 of 4 stars; one submission).

Conditions:
Baller-Gerold syndrome (BGS). Also called: CRANIOSYNOSTOSIS WITH RADIAL DEFECTS. Identifiers: Orphanet 1225, MedGen C0265308, MONDO:0009039, OMIM 218600.

Submission:

Labcorp Genetics (formerly Invitae), Labcorp
Classification: Uncertain significance for Baller-Gerold syndrome. Last evaluated: 2020-10-01. Review status: criteria provided, single submitter. Criteria: Invitae Variant Classification Sherloc (09022015). Collection method: clinical testing. Allele origin: germline.
Comment: In summary, the available evidence is currently insufficient to determine the role of this variant in disease. Therefore, it has been classified as a Variant of Uncertain Significance. Experimental studies and prediction algorithms are not available or were not evaluated, and the functional significance of this variant is currently unknown. This variant has not been reported in the literature in individuals with RECQL4-related conditions. This variant is not present in population databases (ExAC no frequency). This sequence change replaces serine with arginine at codon 280 of the RECQL4 protein (p.Ser280Arg). The serine residue is moderately conserved and there is a moderate physicochemical difference between serine and arginine.

NM_004260.4(RECQL4):c.840C>G (p.Ser280Arg)

Gene: RECQL4 (RecQ like helicase 4; minus strand). Cytogenetic location: 8q24.3.
Variant type: single nucleotide variant.
Coding change: c.840C>G on transcript NM_004260.4 (MANE Select); coding-DNA position 840, C replaced by G.
Protein change: p.Ser280Arg; replaces serine 280 with arginine.
Molecular consequence: missense variant.
Genome position (GRCh38, 1-based): chr8:144,516,279, G>C on the plus strand (C>G on the coding strand, the complement: RECQL4 is on the minus strand). VCF-style: chr8-144516279-G-C. GRCh37 (hg19) VCF-style: chr8-145741663-G-C.
Other names: short protein forms S280R.
Identifiers: ClinVar variation 1001711 (VCV001001711.3), dbSNP rs1407076588, ClinGen allele CA372688995.